The following is an entry in ClinVar:

ClinVar aggregate classification (germline): Benign/Likely benign. Review status: criteria provided, multiple submitters, no conflicts (2 of 4 stars). 5 submissions from 5 submitters: Benign (2); Likely benign (2). 1 of the submissions does not count toward it. Last evaluated 2026-01-27.

Conditions:
FAT1-related disorder. Also called: FAT1-related condition.

Allele frequency attached by ClinVar (database versions not stated): 1000 Genomes Project 0.00060; 1000 Genomes Project 30x 0.00094; TOPMed 0.00348; gnomAD 0.00444 and 0.00460; gnomAD exomes 0.00538; ESP Exome Variant Server 0.00571; ExAC 0.00639.
gnomAD v4.1: 8,813 of 1,613,982 alleles (0.55%); highest among the groups gnomAD compares: Non-Finnish European, 0.61%; 41 homozygotes.

Submissions (5):

Labcorp Genetics (formerly Invitae), Labcorp
Classification: Benign. Last evaluated: 2026-01-27. Review status: criteria provided, single submitter. Criteria: Invitae Variant Classification Sherloc (09022015). Collection method: clinical testing. Allele origin: germline.

Blueprint Genetics
Classification: Likely benign. Last evaluated: 2024-11-26. Review status: criteria provided, single submitter. Criteria: ACMG Guidelines, 2015. Collection method: clinical testing. Allele origin: germline.

CeGaT Center for Human Genetics Tuebingen
Classification: Likely benign. Last evaluated: 2024-01-01. Review status: criteria provided, single submitter. Criteria: CeGaT Center For Human Genetics Tuebingen Variant Classification Criteria Version 2. Collection method: clinical testing. Allele origin: germline. Affected: yes. Observed: 6 variant alleles.
Comment: FAT1: BP4, BS2

Breakthrough Genomics
Classification: Benign. Review status: criteria provided, single submitter. Criteria: ACMG Guidelines, 2015. Collection method: not provided. Allele origin: germline. Inheritance: Unknown mechanism. Affected: yes.

PreventionGenetics, part of Exact Sciences
Classification: Benign for FAT1-related condition. Last evaluated: 2019-07-01. Review status: no assertion criteria provided. Collection method: clinical testing. Allele origin: germline. Not counted in ClinVar's aggregate classification.
Comment: This variant is classified as benign based on ACMG/AMP sequence variant interpretation guidelines (Richards et al. 2015 PMID: 25741868, with internal and published modifications).

NM_005245.4(FAT1):c.13582G>A (p.Glu4528Lys)

Genes: FAT1 (FAT atypical cadherin 1; minus strand), LOC126807253 (BRD4-independent group 4 enhancer GRCh37_chr4:187509297-187510496; plus strand). Cytogenetic location: 4q35.2.
Variant type: single nucleotide variant.
Coding change: c.13582G>A on transcript NM_005245.4 (MANE Select); coding-DNA position 13582, G replaced by A.
Protein change: p.Glu4528Lys; replaces glutamic acid 4528 with lysine.
Molecular consequence: missense variant.
Genome position (GRCh38, 1-based): chr4:186,588,777, C>T on the plus strand (G>A on the coding strand, the complement: FAT1 is on the minus strand). VCF-style: chr4-186588777-C-T. GRCh37 (hg19) VCF-style: chr4-187509931-C-T.
Other names: short protein forms E4528K.
Identifiers: ClinVar variation 791620 (VCV000791620.36), dbSNP rs192609167, ClinGen allele CA3164497.
Genomic context (GRCh38, chr4:186,588,777, plus strand): 5'-CAGAGCAGGAGGCGGTGGAGGCGTACACAGACATGGGCATGCTCTCGACAGCGGGCGCCT[C>T]GAAGTGTCTTTGATACCCTGGCGGGTAAGGGGCATGGGGTTCTCTACAAGTACTATTCTC-3'
Protein context (NP_005236.2, residues 4518-4538): PYPPGYQRHF[Glu4528Lys]APAVESMPMS